The following is an entry in ClinVar:

Conditions:
Breast-ovarian cancer, familial, susceptibility to, 1 (BROVCA1). Also called: BRCA1 Hereditary Breast and Ovarian Cancer; OVARIAN CANCER, SUSCEPTIBILITY TO. Identifiers: Orphanet 145, MedGen C2676676, MONDO:0011450, OMIM 604370. Disease mechanism: loss of function.

Submission:

Brotman Baty Institute, University of Washington
No classification provided (evidence only). Condition: Breast-ovarian cancer, familial 1. Review status: no classification provided. Collection method: in vitro. Allele origin: not applicable. Functional consequence: functionally_abnormal.
ClinVar note: "not provided" was previously submitted as the classification for the variant. However, the classification appeared to be based only on an observation of functional data so it was converted to no classification on 2025-07-30.

NM_007294.4(BRCA1):c.188T>G (p.Leu63Ter)

Gene: BRCA1 (BRCA1 DNA repair associated; minus strand). Cytogenetic location: 17q21.31.
Variant type: single nucleotide variant.
Coding change: c.188T>G on transcript NM_007294.4 (MANE Select); coding-DNA position 188, T replaced by G.
Protein change: p.Leu63Ter; replaces leucine 63 with a stop codon.
Molecular consequence: nonsense. On other transcripts: 5 prime UTR variant (61), intron variant (34).
Genome position (GRCh38, 1-based): chr17:43,106,480, A>C on the plus strand (T>G on the coding strand, the complement: BRCA1 is on the minus strand). VCF-style: chr17-43106480-A-C. GRCh37 (hg19) VCF-style: chr17-41258497-A-C.
Other names: c.188T>G, p.Leu63Ter (NM_001407968.1, NM_001407969.1, NM_001407970.1 and 168 more transcripts); c.-1T>G (NM_001407571.1, NM_001408478.1, NM_001408479.1 and 58 more transcripts); c.47T>G, p.Leu16Ter (NM_001408453.1, NM_001408454.1, NM_001408455.1 and 99 more transcripts); c.-218-11620T>G (NM_001407967.1, NM_001407966.1); c.-169-1524T>G (NM_001407959.1, NM_001407962.1, NM_001408512.1 and 4 more transcripts); c.81-1524T>G (NM_001408451.1); c.135-1524T>G (NM_001408475.1, NM_001407875.1, NM_001407659.1 and 21 more transcripts); short protein forms L16*, L63*.
Identifiers: ClinVar variation 867314 (VCV000867314.3), dbSNP rs80357086, ClinGen allele CA10601789.